The following is an entry in ClinVar:

ClinVar aggregate classification (germline): Likely benign. Review status: criteria provided, multiple submitters, no conflicts (2 of 4 stars). 3 submissions from 3 submitters: Likely benign (3). Last evaluated 2025-10-15.

Conditions:
MOGS-congenital disorder of glycosylation. Also called: CDG IIb; MOGS-CDG; CDG 2B; GLUCOSIDASE I DEFICIENCY. Identifiers: Orphanet 79330, MedGen C1853736, MONDO:0011629, OMIM 606056.
MOGS-related disorder. Also called: MOGS-related condition.

Allele frequency attached by ClinVar (database versions not stated): ExAC 0.00002; gnomAD 0.00002; gnomAD exomes 0.00002; ESP Exome Variant Server 0.00016.
gnomAD v4.1: 28 of 1,613,990 alleles (0.0017%); highest among the groups gnomAD compares: Non-Finnish European, 0.0022%; no homozygotes.

Submissions (3):

PreventionGenetics, part of Exact Sciences
Classification: Likely benign for MOGS-related condition. Last evaluated: 2025-10-15. Review status: criteria provided, single submitter. Criteria: ACMG Guidelines, 2015. Collection method: clinical testing. Allele origin: germline.
Comment: This variant is classified as likely benign based on ACMG/AMP sequence variant interpretation guidelines (Richards et al. 2015 PMID: 25741868, with internal and published modifications).

Labcorp Genetics (formerly Invitae), Labcorp
Classification: Likely benign for MOGS-congenital disorder of glycosylation. Last evaluated: 2025-04-22. Review status: criteria provided, single submitter. Criteria: Invitae Variant Classification Sherloc (09022015). Collection method: clinical testing. Allele origin: germline.

Blueprint Genetics
Classification: Likely benign. Last evaluated: 2019-12-31. Review status: criteria provided, single submitter. Criteria: ACMG Guidelines, 2015. Collection method: clinical testing. Allele origin: germline.

NM_006302.3(MOGS):c.2166C>G (p.Leu722=)

Gene: MOGS (mannosyl-oligosaccharide glucosidase; minus strand). Cytogenetic location: 2p13.1.
Variant type: single nucleotide variant.
Coding change: c.2166C>G on transcript NM_006302.3 (MANE Select); coding-DNA position 2166, C replaced by G.
Protein change: p.Leu722=; no amino-acid change (leucine 722 retained).
Molecular consequence: synonymous variant.
Genome position (GRCh38, 1-based): chr2:74,461,623, G>C on the plus strand (C>G on the coding strand, the complement: MOGS is on the minus strand). VCF-style: chr2-74461623-G-C. GRCh37 (hg19) VCF-style: chr2-74688750-G-C.
Other names: c.1848C>G, p.Leu616= (NM_001146158.2); c.2166C>G (NM_006302.2).
Identifiers: ClinVar variation 1150525 (VCV001150525.11), dbSNP rs377226071, ClinGen allele CA1724643.
Genomic context (GRCh38, chr2:74,461,623, plus strand): 5'-ATTGCGCTGGCCATAAAAGGAGCTGGAGGCTGCAAGGGAGCGTAAACCAAAGGGGCTCCA[G>C]AGATGGCGGCTGTCGGCTAGAATGTCCAGCAGGGGCCCAAGGCGGGATGAGGTGGGGTCC-3'
Protein context (NP_006293.2, residues 712-732): LLDILADSRH[Leu722=]WSPFGLRSLA